The following is an entry in ClinVar:

NM_001009999.3(KDM1A):c.454C>T (p.Pro152Ser)

Gene: KDM1A (lysine demethylase 1A; plus strand). Cytogenetic location: 1p36.12.
Variant type: single nucleotide variant.
Coding change: c.454C>T on transcript NM_001009999.3 (MANE Select); coding-DNA position 454, C replaced by T.
Protein change: p.Pro152Ser; replaces proline 152 with serine.
Molecular consequence: missense variant.
Genome position (GRCh38, 1-based): chr1:23,030,571, C>T. VCF-style: chr1-23030571-C-T. GRCh37 (hg19) VCF-style: chr1-23357064-C-T.
Other names: c.454C>T, p.Pro152Ser (NM_001363654.2, NM_001410762.1, NM_001410763.1 and 1 more transcripts); short protein forms P152S.
Identifiers: ClinVar variation 4622688 (VCV004622688.1).

ClinVar aggregate classification (germline): Uncertain significance (1 of 4 stars; one submission).

Conditions:
Inborn genetic diseases. Identifiers: MedGen C0950123, MeSH D030342.

Submission:

Ambry Genetics
Classification: Uncertain significance for Inborn genetic diseases. Last evaluated: 2025-10-22. Review status: criteria provided, single submitter. Criteria: Ambry Variant Classification Scheme 2023. Collection method: clinical testing. Allele origin: germline.
Comment: The p.P152S variant (also known as c.454C>T), located in coding exon 2 of the KDM1A gene, results from a C to T substitution at nucleotide position 454. The proline at codon 152 is replaced by serine, an amino acid with similar properties. This amino acid position is conserved. In addition, this alteration is predicted to be tolerated by in silico analysis. Based on the available evidence, the clinical significance of this variant remains unclear.